The following is an entry in ClinVar:

NM_012144.4(DNAI1):c.1822C>T (p.His608Tyr)

Gene: DNAI1 (dynein axonemal intermediate chain 1; plus strand). Cytogenetic location: 9p13.3.
Variant type: single nucleotide variant.
Coding change: c.1822C>T on transcript NM_012144.4 (MANE Select); coding-DNA position 1822, C replaced by T.
Protein change: p.His608Tyr; replaces histidine 608 with tyrosine.
Molecular consequence: missense variant.
Genome position (GRCh38, 1-based): chr9:34,517,288, C>T. VCF-style: chr9-34517288-C-T. GRCh37 (hg19) VCF-style: chr9-34517286-C-T.
Other names: c.1834C>T, p.His612Tyr (NM_001281428.2); short protein forms H608Y, H612Y.
Identifiers: ClinVar variation 1984045 (VCV001984045.1), dbSNP rs148762102, ClinGen allele CA373266149.

ClinVar aggregate classification (germline): Uncertain significance (1 of 4 stars; one submission).

Conditions:
Primary ciliary dyskinesia. Also called: Ciliary dyskinesia. Identifiers: Orphanet 244, MedGen C0008780, MONDO:0016575, HP:0012265.

gnomAD v4.1: 6 of 1,613,700 alleles (0.00037%); highest among the groups gnomAD compares: Non-Finnish European, 0.00051%; no homozygotes.

Submission:

Labcorp Genetics (formerly Invitae), Labcorp
Classification: Uncertain significance for Primary ciliary dyskinesia. Last evaluated: 2022-05-11. Review status: criteria provided, single submitter. Criteria: Invitae Variant Classification Sherloc (09022015). Collection method: clinical testing. Allele origin: germline.
Comment: This sequence change replaces histidine, which is basic and polar, with tyrosine, which is neutral and polar, at codon 608 of the DNAI1 protein (p.His608Tyr). This variant is not present in population databases (gnomAD no frequency). This variant has not been reported in the literature in individuals affected with DNAI1-related conditions. Algorithms developed to predict the effect of missense changes on protein structure and function are either unavailable or do not agree on the potential impact of this missense change (SIFT: "Deleterious"; PolyPhen-2: "Benign"; Align-GVGD: "Class C0"). In summary, the available evidence is currently insufficient to determine the role of this variant in disease. Therefore, it has been classified as a Variant of Uncertain Significance.